The following is an entry in ClinVar:

ClinVar aggregate classification (germline): Uncertain significance. Review status: criteria provided, multiple submitters, no conflicts (2 of 4 stars). 3 submissions from 3 submitters: Uncertain significance (3). Last evaluated 2022-06-09.

Conditions:
Nephronophthisis. Also called: Juvenile Nephronophthisis. Identifiers: Orphanet 655, MedGen C0687120, MONDO:0019005, HP:0000090.
Inborn genetic diseases. Identifiers: MedGen C0950123, MeSH D030342.
Nephronophthisis 3 (NPHP3). Also called: Adolescent nephronophthisis. Identifiers: Orphanet 655, MedGen C1858392, MONDO:0011456, OMIM 604387.
Renal-hepatic-pancreatic dysplasia 1 (RHPD1). Identifiers: MedGen C3715199, MONDO:0008833, OMIM 208540.
NPHP3-related Meckel-like syndrome. Also called: GOLDSTON SYNDROME; Meckel syndrome type 7. Identifiers: Orphanet 3032, MedGen C2673885, MONDO:0009966, OMIM 267010.

Allele frequency attached by ClinVar (database versions not stated): gnomAD 0.00001; gnomAD exomes 0.00001; TOPMed 0.00001.
gnomAD v4.1: 4 of 1,613,642 alleles (0.00025%); highest among the groups gnomAD compares: African/African-American, 0.0013%; no homozygotes.

Submissions (3):

Ambry Genetics
Classification: Uncertain significance for Inborn genetic diseases. Last evaluated: 2022-06-09. Review status: criteria provided, single submitter. Criteria: Ambry Variant Classification Scheme 2023. Collection method: clinical testing. Allele origin: germline.

Fulgent Genetics
Classification: Uncertain significance for Renal-hepatic-pancreatic dysplasia 1; NPHP3-related Meckel-like syndrome; Nephronophthisis 3. Last evaluated: 2022-05-10. Review status: criteria provided, single submitter. Criteria: ACMG Guidelines, 2015. Collection method: clinical testing. Allele origin: unknown.

Labcorp Genetics (formerly Invitae), Labcorp
Classification: Uncertain significance for Nephronophthisis. Last evaluated: 2019-10-01. Review status: criteria provided, single submitter. Criteria: Invitae Variant Classification Sherloc (09022015). Collection method: clinical testing. Allele origin: germline.
Comment: In summary, the available evidence is currently insufficient to determine the role of this variant in disease. Therefore, it has been classified as a Variant of Uncertain Significance. Algorithms developed to predict the effect of missense changes on protein structure and function are either unavailable or do not agree on the potential impact of this missense change (SIFT: "Deleterious"; PolyPhen-2: "Possibly Damaging"; Align-GVGD: "Class C0"). This sequence change replaces cysteine with tyrosine at codon 741 of the NPHP3 protein (p.Cys741Tyr). The cysteine residue is highly conserved and there is a large physicochemical difference between cysteine and tyrosine. This variant is not present in population databases (ExAC no frequency). This variant has not been reported in the literature in individuals with NPHP3-related conditions.

NM_153240.5(NPHP3):c.2222G>A (p.Cys741Tyr)

Genes: NPHP3 (nephrocystin 3; minus strand), NPHP3-ACAD11 (NPHP3-ACAD11 readthrough (NMD candidate); minus strand). Cytogenetic location: 3q22.1.
Variant type: single nucleotide variant.
Coding change: c.2222G>A on transcript NM_153240.5 (MANE Select); coding-DNA position 2222, G replaced by A.
Protein change: p.Cys741Tyr; replaces cysteine 741 with tyrosine.
Molecular consequence: missense variant. On other transcripts: non-coding transcript variant (1).
Genome position (GRCh38, 1-based): chr3:132,694,915, C>T on the plus strand (G>A on the coding strand, the complement: NPHP3 is on the minus strand). VCF-style: chr3-132694915-C-T. GRCh37 (hg19) VCF-style: chr3-132413759-C-T.
Other names: short protein forms C741Y.
Identifiers: ClinVar variation 933967 (VCV000933967.11), dbSNP rs1451958461, ClinGen allele CA354581803.
Genomic context (GRCh38, chr3:132,694,915, plus strand): 5'-TTTGCCATGGACTCCCGGATAGAGTGCAGAACAAGTCTATATAATGAAAGAGTATCTTGA[C>T]ACTGGAAACACTGATGAAGGATTTTATCTAAATTGCCTGCTCTCCCAGCACTGTTGGAAT-3'
Protein context (NP_694972.3, residues 731-751): LDKILHQCFQ[Cys741Tyr]QDTLSLYRLV